The following is an entry in ClinVar:

NM_001041.4(SI):c.5C>A (p.Ala2Glu)

Gene: SI (sucrase-isomaltase; minus strand). Cytogenetic location: 3q26.1.
Variant type: single nucleotide variant.
Coding change: c.5C>A on transcript NM_001041.4 (MANE Select); coding-DNA position 5, C replaced by A.
Protein change: p.Ala2Glu; replaces alanine 2 with glutamic acid.
Molecular consequence: missense variant.
Genome position (GRCh38, 1-based): chr3:165,076,008, G>T on the plus strand (C>A on the coding strand, the complement: SI is on the minus strand). VCF-style: chr3-165076008-G-T. GRCh37 (hg19) VCF-style: chr3-164793796-G-T.
Other names: short protein forms A2E.
Identifiers: ClinVar variation 1038112 (VCV001038112.8), dbSNP rs201612742, ClinGen allele CA2691661.

ClinVar aggregate classification (germline): Uncertain significance. Review status: criteria provided, multiple submitters, no conflicts (2 of 4 stars). 2 submissions from 2 submitters: Uncertain significance (2). Last evaluated 2025-09-03.

Conditions:
Sucrase-isomaltase deficiency (CSID). Also called: SI DEFICIENCY; Deficiency of isomaltase; Congenital sucrose isomaltose malabsorption; Sucrose isomaltose enzyme deficiency. Identifiers: Orphanet 35122, MedGen C1283620, MONDO:0009114, OMIM 222900.

Allele frequency attached by ClinVar (database versions not stated): ExAC 0.00009; gnomAD exomes 0.00009; TOPMed 0.00009; gnomAD 0.00011.
gnomAD v4.1: 132 of 1,571,894 alleles (0.0084%); highest among the groups gnomAD compares: Non-Finnish European, 0.0099%; no homozygotes.

Submissions (2):

Labcorp Genetics (formerly Invitae), Labcorp
Classification: Uncertain significance. Last evaluated: 2025-09-03. Review status: criteria provided, single submitter. Criteria: Invitae Variant Classification Sherloc (09022015). Collection method: clinical testing. Allele origin: germline.
Comment: This sequence change replaces alanine, which is neutral and non-polar, with glutamic acid, which is acidic and polar, at codon 2 of the SI protein (p.Ala2Glu). This variant is present in population databases (rs201612742, gnomAD 0.03%). This variant has not been reported in the literature in individuals affected with SI-related conditions. ClinVar contains an entry for this variant (Variation ID: 1038112). Invitae Evidence Modeling of protein sequence and biophysical properties (such as structural, functional, and spatial information, amino acid conservation, physicochemical variation, residue mobility, and thermodynamic stability) indicates that this missense variant is not expected to disrupt SI protein function with a negative predictive value of 95%. In summary, the available evidence is currently insufficient to determine the role of this variant in disease. Therefore, it has been classified as a Variant of Uncertain Significance.

Fulgent Genetics
Classification: Uncertain significance for Sucrase-isomaltase deficiency. Last evaluated: 2021-10-05. Review status: criteria provided, single submitter. Criteria: ACMG Guidelines, 2015. Collection method: clinical testing. Allele origin: unknown.